The following is an entry in ClinVar:

ClinVar aggregate classification (germline): Uncertain significance (1 of 4 stars; one submission).

gnomAD v4.1: 26 of 1,610,446 alleles (0.0016%); highest among the groups gnomAD compares: Non-Finnish European, 0.002%; no homozygotes.

Submission:

Dasa
Classification: Uncertain significance. Last evaluated: 2025-12-21. Review status: criteria provided, single submitter. Criteria: DASA Assertion Criteria. Collection method: clinical testing. Allele origin: germline.
Comment: NM_001305624.1(CALM2):c.43G>C (p.Glu15Gln) is a missense variant that results in the substitution of glutamic acid with glutamine. This variant is rare in population databases. The currently available literature and clinical evidence are not sufficient to establish a definitive association between this variant and the reported condition. Therefore, this variant is classified as a variant of uncertain significance.

NM_001743.6(CALM2):c.-56G>C

Gene: CALM2 (calmodulin 2; minus strand). Cytogenetic location: 2p21.
Variant type: single nucleotide variant.
Coding change: c.-56G>C on transcript NM_001743.6 (MANE Select); 56 bases upstream of the start codon, G replaced by C.
Molecular consequence: 5 prime UTR variant. On other transcripts: missense variant (1), intron variant (1).
Genome position (GRCh38, 1-based): chr2:47,176,499, C>G on the plus strand (G>C on the coding strand, the complement: CALM2 is on the minus strand). VCF-style: chr2-47176499-C-G. GRCh37 (hg19) VCF-style: chr2-47403638-C-G.
Other names: c.43G>C, p.Glu15Gln (NM_001305624.1); c.-106+350G>C (NM_001305625.2); short protein forms E15Q.
Identifiers: ClinVar variation 4885319 (VCV004885319.2).